The following is an entry in ClinVar:

ClinVar aggregate classification (germline): Uncertain significance (1 of 4 stars; one submission).

Allele frequency attached by ClinVar (database versions not stated): gnomAD exomes below 0.00001; gnomAD 0.00001; TOPMed 0.00001.

Submission:

Women's Health and Genetics/Laboratory Corporation of America, LabCorp
Classification: Uncertain significance. Last evaluated: 2022-09-15. Review status: criteria provided, single submitter. Criteria: LabCorp Variant Classification Summary - May 2015. Collection method: clinical testing. Allele origin: germline.
Comment: Variant summary: PRR12 c.4945T>C (p.Phe1649Leu) results in a non-conservative amino acid change in the encoded protein sequence. Four of five in-silico tools predict a damaging effect of the variant on protein function. The variant was absent in 249230 control chromosomes (gnomAD). The available data on variant occurrences in the general population are insufficient to allow any conclusion about variant significance. To our knowledge, no occurrence of c.4945T>C in individuals affected with Neuroocular Syndrome and no experimental evidence demonstrating its impact on protein function have been reported. No clinical diagnostic laboratories have submitted clinical-significance assessments for this variant to ClinVar after 2014. Based on the evidence outlined above, the variant was classified as uncertain significance.

NM_020719.3(PRR12):c.4945T>C (p.Phe1649Leu)

Gene: PRR12 (proline rich 12; plus strand). Cytogenetic location: 19q13.33.
Variant type: single nucleotide variant.
Coding change: c.4945T>C on transcript NM_020719.3 (MANE Select); coding-DNA position 4945, T replaced by C.
Protein change: p.Phe1649Leu; replaces phenylalanine 1649 with leucine.
Molecular consequence: missense variant.
Genome position (GRCh38, 1-based): chr19:49,614,930, T>C. VCF-style: chr19-49614930-T-C. GRCh37 (hg19) VCF-style: chr19-50118187-T-C.
Other names: short protein forms F1649L.
Identifiers: ClinVar variation 1722450 (VCV001722450.1), dbSNP rs1156658489, ClinGen allele CA406835642.